The following is an entry in ClinVar:

NM_001242896.3(DEPDC5):c.4592C>A (p.Thr1531Asn)

Gene: DEPDC5 (DEP domain containing 5, GATOR1 subcomplex subunit; plus strand). Cytogenetic location: 22q12.3.
Variant type: single nucleotide variant.
Coding change: c.4592C>A on transcript NM_001242896.3 (MANE Select); coding-DNA position 4592, C replaced by A.
Protein change: p.Thr1531Asn; replaces threonine 1531 with asparagine.
Molecular consequence: missense variant. On other transcripts: non-coding transcript variant (5).
Genome position (GRCh38, 1-based): chr22:31,906,277, C>A. VCF-style: chr22-31906277-C-A. GRCh37 (hg19) VCF-style: chr22-32302263-C-A.
Other names: c.4565C>A, p.Thr1522Asn (NM_001136029.4); c.4292C>A, p.Thr1431Asn (NM_001242897.2); c.4526C>A, p.Thr1509Asn (NM_001363852.2, NM_001364320.2); c.4358C>A, p.Thr1453Asn (NM_001363854.2, NM_001364319.2); c.4592C>A, p.Thr1531Asn (NM_001364318.2); c.4508C>A, p.Thr1503Asn (NM_001369901.1, NM_001369902.1); c.4499C>A, p.Thr1500Asn (NM_001369903.1, NM_014662.6); short protein forms T1431N, T1453N, T1500N, T1503N, T1509N, T1522N, T1531N.
Identifiers: ClinVar variation 1063350 (VCV001063350.11), dbSNP rs1064794532, ClinGen allele CA411292484.

ClinVar aggregate classification (germline): Uncertain significance. Review status: criteria provided, multiple submitters, no conflicts (2 of 4 stars). 2 submissions from 2 submitters: Uncertain significance (2). Last evaluated 2024-08-16.

Conditions:
Familial focal epilepsy with variable foci (FPEVF). Identifiers: Orphanet 98820, MedGen C1858477, MONDO:0020310.

gnomAD v4.1: 2 of 1,613,800 alleles (0.00012%); highest among the groups gnomAD compares: African/African-American, 0.0027%; no homozygotes.

Submissions (2):

GeneDx
Classification: Uncertain significance. Last evaluated: 2024-08-16. Review status: criteria provided, single submitter. Criteria: GeneDx Variant Classification Process June 2021. Collection method: clinical testing. Allele origin: germline. Affected: yes.
Comment: Not observed at significant frequency in large population cohorts (gnomAD); In silico analysis indicates that this missense variant does not alter protein structure/function; Has not been previously published as pathogenic or benign to our knowledge

Labcorp Genetics (formerly Invitae), Labcorp
Classification: Uncertain significance for Familial focal epilepsy with variable foci. Last evaluated: 2022-09-27. Review status: criteria provided, single submitter. Criteria: Invitae Variant Classification Sherloc (09022015). Collection method: clinical testing. Allele origin: germline.
Comment: This variant is not present in population databases (gnomAD no frequency). In summary, the available evidence is currently insufficient to determine the role of this variant in disease. Therefore, it has been classified as a Variant of Uncertain Significance. Algorithms developed to predict the effect of missense changes on protein structure and function are either unavailable or do not agree on the potential impact of this missense change (SIFT: "Deleterious"; PolyPhen-2: "Not Available"; Align-GVGD: "Class C0"). ClinVar contains an entry for this variant (Variation ID: 1063350). This variant has not been reported in the literature in individuals affected with DEPDC5-related conditions. This sequence change replaces threonine, which is neutral and polar, with asparagine, which is neutral and polar, at codon 1531 of the DEPDC5 protein (p.Thr1531Asn).